The following is an entry in ClinVar:

NM_001813.3(CENPE):c.1717C>G (p.Leu573Val)

Gene: CENPE (centromere protein E; minus strand). Cytogenetic location: 4q24.
Variant type: single nucleotide variant.
Coding change: c.1717C>G on transcript NM_001813.3 (MANE Select); coding-DNA position 1717, C replaced by G.
Protein change: p.Leu573Val; replaces leucine 573 with valine.
Molecular consequence: missense variant. On other transcripts: intron variant (1).
Genome position (GRCh38, 1-based): chr4:103,163,484, G>C on the plus strand (C>G on the coding strand, the complement: CENPE is on the minus strand). VCF-style: chr4-103163484-G-C. GRCh37 (hg19) VCF-style: chr4-104084641-G-C.
Other names: c.1648-228C>G (NM_001286734.2); short protein forms L573V.
Identifiers: ClinVar variation 3897294 (VCV003897294.1).

ClinVar aggregate classification (germline): Uncertain significance (1 of 4 stars; one submission).

gnomAD v4.1: 43 of 1,588,790 alleles (0.0027%); highest among the groups gnomAD compares: African/African-American, 0.028%; no homozygotes.

Submission:

GeneDx
Classification: Uncertain significance. Last evaluated: 2024-10-29. Review status: criteria provided, single submitter. Criteria: GeneDx Variant Classification Process June 2021. Collection method: clinical testing. Allele origin: germline. Affected: yes.
Comment: In silico analysis indicates that this missense variant does not alter protein structure/function; Has not been previously published as pathogenic or benign to our knowledge